The following is an entry in ClinVar:

ClinVar aggregate classification (germline): Uncertain significance (1 of 4 stars; one submission).

Conditions:
RASopathy. Also called: rasopathies; Noonan spectrum disorder. Identifiers: Orphanet 536391, MedGen C5555857, MONDO:0021060.

gnomAD v4.1: 1 of 1,611,676 alleles (0.000062%); highest among the groups gnomAD compares: Non-Finnish European, 0.000085%; no homozygotes.

Submission:

Labcorp Genetics (formerly Invitae), Labcorp
Classification: Uncertain significance for RASopathy. Last evaluated: 2024-01-02. Review status: criteria provided, single submitter. Criteria: Invitae Variant Classification Sherloc (09022015). Collection method: clinical testing. Allele origin: germline.
Comment: This sequence change replaces serine, which is neutral and polar, with tyrosine, which is neutral and polar, at codon 675 of the CBL protein (p.Ser675Tyr). This variant is not present in population databases (gnomAD no frequency). This variant has not been reported in the literature in individuals affected with CBL-related conditions. Advanced modeling of protein sequence and biophysical properties (such as structural, functional, and spatial information, amino acid conservation, physicochemical variation, residue mobility, and thermodynamic stability) performed at Invitae indicates that this missense variant is not expected to disrupt CBL protein function with a negative predictive value of 95%. In summary, the available evidence is currently insufficient to determine the role of this variant in disease. Therefore, it has been classified as a Variant of Uncertain Significance.

NM_005188.4(CBL):c.2024C>A (p.Ser675Tyr)

Gene: CBL (Cbl proto-oncogene; plus strand). Cytogenetic location: 11q23.3.
Variant type: single nucleotide variant.
Coding change: c.2024C>A on transcript NM_005188.4 (MANE Select); coding-DNA position 2024, C replaced by A.
Protein change: p.Ser675Tyr; replaces serine 675 with tyrosine.
Molecular consequence: missense variant.
Genome position (GRCh38, 1-based): chr11:119,287,934, C>A. VCF-style: chr11-119287934-C-A. GRCh37 (hg19) VCF-style: chr11-119158644-C-A.
Other names: short protein forms S675Y.
Identifiers: ClinVar variation 2706960 (VCV002706960.3), dbSNP rs553979171, ClinGen allele CA382922904.